The following is an entry in ClinVar:

ClinVar aggregate classification (germline): Pathogenic/Likely pathogenic. Review status: criteria provided, multiple submitters, no conflicts (2 of 4 stars). 2 submissions from 2 submitters: Pathogenic (1); Likely pathogenic (1). Last evaluated 2022-08-11.

Conditions:
PDE6B-related disorder. Also called: PDE6B-related disorders; PDE6B-related disease; PDE6B-related condition.

Submissions (2):

Blueprint Genetics
Classification: Likely pathogenic for PDE6B-related disorders. Last evaluated: 2022-08-11. Review status: criteria provided, single submitter. Criteria: ACMG Guidelines, 2015. Collection method: clinical testing. Allele origin: germline. Affected: yes. Observed: 5 variant alleles.

Labcorp Genetics (formerly Invitae), Labcorp
Classification: Pathogenic. Last evaluated: 2021-05-09. Review status: criteria provided, single submitter. Criteria: Invitae Variant Classification Sherloc (09022015). Collection method: clinical testing. Allele origin: germline.
Comment: This sequence change creates a premature translational stop signal (p.Thr497Hisfs*4) in the PDE6B gene. It is expected to result in an absent or disrupted protein product. Loss-of-function variants in PDE6B are known to be pathogenic (PMID: 8394174, 8595886, 22334370). This variant is not present in population databases (ExAC no frequency). This variant has not been reported in the literature in individuals with PDE6B-related conditions. For these reasons, this variant has been classified as Pathogenic.

Literature cited by the submitters: PubMed 8394174 (cited by Labcorp Genetics (formerly Invitae), Labcorp); PubMed 8595886 (cited by Labcorp Genetics (formerly Invitae), Labcorp); PubMed 22334370 (cited by Labcorp Genetics (formerly Invitae), Labcorp).

NM_000283.4(PDE6B):c.1488dup (p.Thr497fs)

Gene: PDE6B (phosphodiesterase 6B; plus strand). Cytogenetic location: 4p16.3.
Variant type: Duplication.
Coding change: c.1488dup on transcript NM_000283.4 (MANE Select); coding-DNA position 1488, one base duplicated (C; older notation c.1488dupC).
Protein change: p.Thr497fs; shifts the reading frame from threonine 497.
Molecular consequence: frameshift variant.
Genome position (GRCh38, 1-based): chr4:660,487, C duplicated; the last of 3 consecutive C bases (chr4:660,485-660,487); duplicating any one gives the same sequence. VCF-style (leftmost placement, unchanged base first): chr4-660484-G-GC. GRCh37 (hg19) VCF-style: chr4-654273-G-GC.
Other names: c.1488dup, p.Thr497fs (NM_001145291.2); c.651dup, p.Thr218fs (NM_001145292.2, NM_001350154.3, NM_001379246.1 and 1 more transcripts); c.333dup, p.Thr112fs (NM_001350155.3); short protein forms T497fs, T112fs, T218fs.
Identifiers: ClinVar variation 1456396 (VCV001456396.7), dbSNP rs730880317, ClinGen allele CA549125566.